The following is an entry in ClinVar:

ClinVar aggregate classification (germline): Uncertain significance (1 of 4 stars; one submission).

gnomAD v4.1: 2 of 1,613,142 alleles (0.00012%); highest among the groups gnomAD compares: Admixed American, 0.0017%; no homozygotes.

Submission:

GeneDx
Classification: Uncertain significance. Last evaluated: 2024-09-24. Review status: criteria provided, single submitter. Criteria: GeneDx Variant Classification Process June 2021. Collection method: clinical testing. Allele origin: germline. Affected: yes.
Comment: Not observed at significant frequency in large population cohorts (gnomAD); In silico analysis supports that this missense variant has a deleterious effect on protein structure/function; Has not been previously published as pathogenic or benign to our knowledge

NM_014712.3(SETD1A):c.859T>C (p.Tyr287His)

Gene: SETD1A (SET domain containing 1A, histone lysine methyltransferase; plus strand). Cytogenetic location: 16p11.2.
Variant type: single nucleotide variant.
Coding change: c.859T>C on transcript NM_014712.3 (MANE Select); coding-DNA position 859, T replaced by C.
Protein change: p.Tyr287His; replaces tyrosine 287 with histidine.
Molecular consequence: missense variant.
Genome position (GRCh38, 1-based): chr16:30,964,313, T>C. VCF-style: chr16-30964313-T-C. GRCh37 (hg19) VCF-style: chr16-30975634-T-C.
Other names: short protein forms Y287H.
Identifiers: ClinVar variation 3774198 (VCV003774198.1).
Genomic context (GRCh38, chr16:30,964,313, plus strand): 5'-TCCTCCCAAGGAACCCCCTACACGTCTCGGGGCAGCACCCCCTACTCTCAGGACTCTGCC[T>C]ACTCCAGCAGGTACAGAGCAGACCCCGCCTGGGGCCCCGCCCGCAAAGTCTGGGAGCTGC-3'
Protein context (NP_055527.1, residues 277-297): GSTPYSQDSA[Tyr287His]SSSTTSTSFK